The following is an entry in ClinVar:

ClinVar aggregate classification (germline): Likely benign. Review status: criteria provided, multiple submitters, no conflicts (2 of 4 stars). 3 submissions from 3 submitters: Likely benign (3). Last evaluated 2025-03-31.

Conditions:
Charcot-Marie-Tooth disease axonal type 2Z. Also called: CHARCOT-MARIE-TOOTH DISEASE, AXONAL, AUTOSOMAL DOMINANT, TYPE 2Z; CHARCOT-MARIE-TOOTH NEUROPATHY, TYPE 2Z. Identifiers: Orphanet 466768, MedGen C5569025, MONDO:0014736, OMIM 616688.
MORC2-related disorder. Also called: MORC2-related condition.

Allele frequency attached by ClinVar (database versions not stated): ExAC 0.00001; gnomAD exomes 0.00002 and 0.00007; gnomAD 0.00007 and 0.00008; TOPMed 0.00009.
gnomAD v4.1: 125 of 1,613,838 alleles (0.0077%); highest among the groups gnomAD compares: Non-Finnish European, 0.009%; no homozygotes.

Submissions (3):

PreventionGenetics, part of Exact Sciences
Classification: Likely benign for MORC2-related condition. Last evaluated: 2025-03-31. Review status: criteria provided, single submitter. Criteria: ACMG Guidelines, 2015. Collection method: clinical testing. Allele origin: germline.
Comment: This variant is classified as likely benign based on ACMG/AMP sequence variant interpretation guidelines (Richards et al. 2015 PMID: 25741868, with internal and published modifications).

Labcorp Genetics (formerly Invitae), Labcorp
Classification: Likely benign for Charcot-Marie-Tooth disease axonal type 2Z. Last evaluated: 2024-04-20. Review status: criteria provided, single submitter. Criteria: Invitae Variant Classification Sherloc (09022015). Collection method: clinical testing. Allele origin: germline.

CeGaT Center for Human Genetics Tuebingen
Classification: Likely benign. Last evaluated: 2023-09-01. Review status: criteria provided, single submitter. Criteria: CeGaT Center For Human Genetics Tuebingen Variant Classification Criteria Version 2. Collection method: clinical testing. Allele origin: germline. Affected: yes. Observed: 1 variant allele.
Comment: MORC2: BP4, BP7

NM_001303256.3(MORC2):c.1224C>T (p.Gly408=)

Gene: MORC2 (MORC family CW-type zinc finger 2; minus strand). Cytogenetic location: 22q12.2.
Variant type: single nucleotide variant.
Coding change: c.1224C>T on transcript NM_001303256.3 (MANE Select); coding-DNA position 1224, C replaced by T.
Protein change: p.Gly408=; no amino-acid change (glycine 408 retained).
Molecular consequence: synonymous variant.
Genome position (GRCh38, 1-based): chr22:30,937,960, G>A on the plus strand (C>T on the coding strand, the complement: MORC2 is on the minus strand). VCF-style: chr22-30937960-G-A. GRCh37 (hg19) VCF-style: chr22-31333947-G-A.
Other names: c.1224C>T (NM_001303256.2); c.1224C>T, p.Gly408= (NM_001303257.2); c.1038C>T, p.Gly346= (NM_014941.3).
Identifiers: ClinVar variation 475571 (VCV000475571.32), dbSNP rs754338828, ClinGen allele CA10187007.